The following is an entry in ClinVar:

NM_004329.3(BMPR1A):c.1595T>C (p.Ile532Thr)

Gene: BMPR1A (bone morphogenetic protein receptor type 1A; plus strand). Cytogenetic location: 10q23.2.
Variant type: single nucleotide variant.
Coding change: c.1595T>C on transcript NM_004329.3 (MANE Select); coding-DNA position 1595, T replaced by C.
Protein change: p.Ile532Thr; replaces isoleucine 532 with threonine.
Molecular consequence: missense variant.
Genome position (GRCh38, 1-based): chr10:86,923,715, T>C. VCF-style: chr10-86923715-T-C. GRCh37 (hg19) VCF-style: chr10-88683472-T-C.
Other names: c.1595T>C (NM_004329.2); short protein forms I532T.
Identifiers: ClinVar variation 1356863 (VCV001356863.9), dbSNP rs2133626158, ClinGen allele CA377464090.
Genomic context (GRCh38, chr10:86,923,715, plus strand): 5'-TCACAGCATTGAGAATTAAGAAGACGCTTGCCAAGATGGTTGAATCCCAAGATGTAAAAA[T>C]CTGATGGTTAAACCATCGGAGGAGAAACTCTAGACTGCAAGAACTGTTTTTACCCATGGC-3'
Protein context (NP_004320.2, residues 522-532): AKMVESQDVK[Ile532Thr]

ClinVar aggregate classification (germline): Uncertain significance. Review status: criteria provided, multiple submitters, no conflicts (2 of 4 stars). 2 submissions from 2 submitters: Uncertain significance (2). Last evaluated 2024-07-25.

Conditions:
Juvenile polyposis syndrome (JPS). Identifiers: Orphanet 2929, MedGen C0345893, MONDO:0017380, OMIM 174900.
Hereditary cancer-predisposing syndrome. Also called: Hereditary Cancer Syndrome; Hereditary neoplastic syndrome; Tumor predisposition; Neoplastic Syndromes, Hereditary. Identifiers: Orphanet 140162, MedGen C0027672, MeSH D009386, MONDO:0015356.

Submissions (2):

Labcorp Genetics (formerly Invitae), Labcorp
Classification: Uncertain significance for Juvenile polyposis syndrome. Last evaluated: 2024-07-25. Review status: criteria provided, single submitter. Criteria: Invitae Variant Classification Sherloc (09022015). Collection method: clinical testing. Allele origin: germline.
Comment: This sequence change replaces isoleucine, which is neutral and non-polar, with threonine, which is neutral and polar, at codon 532 of the BMPR1A protein (p.Ile532Thr). This variant is not present in population databases (gnomAD no frequency). This variant has not been reported in the literature in individuals affected with BMPR1A-related conditions. ClinVar contains an entry for this variant (Variation ID: 1356863). Advanced modeling of protein sequence and biophysical properties (such as structural, functional, and spatial information, amino acid conservation, physicochemical variation, residue mobility, and thermodynamic stability) has been performed at Invitae for this missense variant, however the output from this modeling did not meet the statistical confidence thresholds required to predict the impact of this variant on BMPR1A protein function. In summary, the available evidence is currently insufficient to determine the role of this variant in disease. Therefore, it has been classified as a Variant of Uncertain Significance.

Ambry Genetics
Classification: Uncertain significance for Hereditary cancer-predisposing syndrome. Last evaluated: 2024-07-15. Review status: criteria provided, single submitter. Criteria: Ambry Variant Classification Scheme 2023. Collection method: clinical testing. Allele origin: germline.
Comment: The p.I532T variant (also known as c.1595T>C), located in coding exon 11 of the BMPR1A gene, results from a T to C substitution at nucleotide position 1595. The isoleucine at codon 532 is replaced by threonine, an amino acid with similar properties. This amino acid position is well conserved in available vertebrate species. In addition, the in silico prediction for this alteration is inconclusive. Based on the available evidence, the clinical significance of this variant remains unclear.